The following is an entry in ClinVar:

ClinVar aggregate classification (germline): Uncertain significance. Review status: criteria provided, multiple submitters, no conflicts (2 of 4 stars). 2 submissions from 2 submitters: Uncertain significance (2). Last evaluated 2025-04-10.

Conditions:
Inborn genetic diseases. Identifiers: MedGen C0950123, MeSH D030342.

Allele frequency attached by ClinVar (database versions not stated): gnomAD 0.00003; TOPMed 0.00006; ESP Exome Variant Server 0.00008; ExAC 0.00003; gnomAD exomes 0.00005.
gnomAD v4.1: 54 of 1,614,046 alleles (0.0033%); highest among the groups gnomAD compares: East Asian, 0.0045%; no homozygotes.

Submissions (2):

Ambry Genetics
Classification: Uncertain significance for Inborn genetic diseases. Last evaluated: 2025-04-10. Review status: criteria provided, single submitter. Criteria: Ambry Variant Classification Scheme 2023. Collection method: clinical testing. Allele origin: germline.

Laboratory for Molecular Medicine, Mass General Brigham Personalized Medicine
Classification: Uncertain significance. Last evaluated: 2016-06-30. Review status: criteria provided, single submitter. Criteria: LMM Criteria. Collection method: clinical testing. Allele origin: germline. Observed: 1 variant allele.
Comment: The p.Thr27Met variant in ILDR1 has not been previously reported in individuals with hearing loss, but has been identified in 3/66724 of European chromosomes an d 1/8654 of East Asian chromosomes by the Exome Aggregation Consortium (ExAC; dbSNP rs145984650). Although this variant has been seen in the general population, its frequency is not high enough to rule out a pathogenic role. Computational prediction tools and conservation analyses do not provide strong support for or against an impact to the protein. In summary, the clinical significance of the p.Thr27Met variant is uncertain.

NM_001199799.2(ILDR1):c.80C>T (p.Thr27Met)

Gene: ILDR1 (immunoglobulin like domain containing receptor 1; minus strand). Cytogenetic location: 3q13.33.
Variant type: single nucleotide variant.
Coding change: c.80C>T on transcript NM_001199799.2 (MANE Select); coding-DNA position 80, C replaced by T.
Protein change: p.Thr27Met; replaces threonine 27 with methionine.
Molecular consequence: missense variant.
Genome position (GRCh38, 1-based): chr3:122,007,140, G>A on the plus strand (C>T on the coding strand, the complement: ILDR1 is on the minus strand). VCF-style: chr3-122007140-G-A. GRCh37 (hg19) VCF-style: chr3-121725987-G-A.
Other names: c.80C>T, p.Thr27Met (NM_001199800.2, NM_175924.4); short protein forms T27M.
Identifiers: ClinVar variation 504600 (VCV000504600.5), dbSNP rs145984650, ClinGen allele CA2569053.